The following is an entry in ClinVar:

ClinVar aggregate classification (germline): Uncertain significance. Review status: criteria provided, multiple submitters, no conflicts (2 of 4 stars). 2 submissions from 2 submitters: Uncertain significance (2). Last evaluated 2022-06-20.

Conditions:
Neuropathy, hereditary sensory and autonomic, type 2A (HSAN2A). Also called: ACROOSTEOLYSIS, GIACCAI TYPE; ACROOSTEOLYSIS, NEUROGENIC; MORVAN DISEASE; NEUROPATHY, CONGENITAL SENSORY; NEUROPATHY, HEREDITARY SENSORY RADICULAR, AUTOSOMAL RECESSIVE; NEUROPATHY, HEREDITARY SENSORY, TYPE IIA. Identifiers: Orphanet 970, MedGen C2752089, MONDO:0024309, OMIM 201300.
Pseudohypoaldosteronism type 2C (PHA2C). Also called: Pseudohypoaldosteronism Type IIC. Identifiers: Orphanet 757, Orphanet 88940, MedGen C1840391, MONDO:0013778, OMIM 614492.

Allele frequency attached by ClinVar (database versions not stated): ExAC 0.00001; gnomAD 0.00001; gnomAD exomes 0.00001 and 0.00002; TOPMed 0.00001.
gnomAD v4.1: 8 of 1,613,916 alleles (0.0005%); highest among the groups gnomAD compares: Admixed American, 0.005%; no homozygotes.

Submissions (2):

Labcorp Genetics (formerly Invitae), Labcorp
Classification: Uncertain significance for Neuropathy, hereditary sensory and autonomic, type 2A; Pseudohypoaldosteronism type 2C. Last evaluated: 2022-06-20. Review status: criteria provided, single submitter. Criteria: Invitae Variant Classification Sherloc (09022015). Collection method: clinical testing. Allele origin: germline.
Comment: Advanced modeling of protein sequence and biophysical properties (such as structural, functional, and spatial information, amino acid conservation, physicochemical variation, residue mobility, and thermodynamic stability) performed at Invitae indicates that this missense variant is not expected to disrupt WNK1 protein function. In summary, the available evidence is currently insufficient to determine the role of this variant in disease. Therefore, it has been classified as a Variant of Uncertain Significance. This variant is present in population databases (rs756433100, gnomAD 0.003%). This missense change has been observed in individual(s) with clinical features of WNK1-related conditions (Invitae). This sequence change replaces valine, which is neutral and non-polar, with glycine, which is neutral and non-polar, at codon 669 of the WNK1 protein (p.Val669Gly).

Fulgent Genetics
Classification: Uncertain significance for Neuropathy, hereditary sensory and autonomic, type 2A; Pseudohypoaldosteronism type 2C. Last evaluated: 2022-03-31. Review status: criteria provided, single submitter. Criteria: ACMG Guidelines, 2015. Collection method: clinical testing. Allele origin: unknown.

NM_018979.4(WNK1):c.2006T>G (p.Val669Gly)

Gene: WNK1 (WNK lysine deficient protein kinase 1; plus strand). Cytogenetic location: 12p13.33.
Variant type: single nucleotide variant.
Coding change: c.2006T>G on transcript NM_018979.4 (MANE Select); coding-DNA position 2006, T replaced by G.
Protein change: p.Val669Gly; replaces valine 669 with glycine.
Molecular consequence: missense variant.
Genome position (GRCh38, 1-based): chr12:862,137, T>G. VCF-style: chr12-862137-T-G. GRCh37 (hg19) VCF-style: chr12-971303-T-G.
Other names: c.2006T>G, p.Val669Gly (NM_001184985.2, NM_014823.3, NM_213655.5); short protein forms V669G.
Identifiers: ClinVar variation 1450066 (VCV001450066.9), dbSNP rs756433100, ClinGen allele CA6382089.